The following is an entry in ClinVar:

NM_001184.4(ATR):c.2921C>T (p.Thr974Met)

Gene: ATR (ATR checkpoint kinase; minus strand). Cytogenetic location: 3q23.
Variant type: single nucleotide variant.
Coding change: c.2921C>T on transcript NM_001184.4 (MANE Select); coding-DNA position 2921, C replaced by T.
Protein change: p.Thr974Met; replaces threonine 974 with methionine.
Molecular consequence: missense variant.
Genome position (GRCh38, 1-based): chr3:142,550,187, G>A on the plus strand (C>T on the coding strand, the complement: ATR is on the minus strand). VCF-style: chr3-142550187-G-A. GRCh37 (hg19) VCF-style: chr3-142269029-G-A.
Other names: c.2729C>T, p.Thr910Met (NM_001354579.2); short protein forms T974M, T910M.
Identifiers: ClinVar variation 1797719 (VCV001797719.4), dbSNP rs771161299, ClinGen allele CA2650248.
Genomic context (GRCh38, chr3:142,550,187, plus strand): 5'-CTTACAGTAAGAAAACGATTAAGATCAGGAAAGTCGAAAACGTTGGCAATTTCAGACAAC[G>A]TATTTAAAGCCATTTCTCTCTGGTGAGCCACATCTTGTTTTCGCACGTCAGCATTCTGGC-3'
Protein context (NP_001175.2, residues 964-984): VAHQREMALN[Thr974Met]LSEIANVFDF

ClinVar aggregate classification (germline): Uncertain significance. Review status: criteria provided, multiple submitters, no conflicts (2 of 4 stars). 2 submissions from 2 submitters: Uncertain significance (2). Last evaluated 2025-11-10.

Conditions:
Inborn genetic diseases. Identifiers: MedGen C0950123, MeSH D030342.

Allele frequency attached by ClinVar (database versions not stated): ExAC 0.00003; TOPMed 0.00003; gnomAD 0.00003.
gnomAD v4.1: 30 of 1,614,024 alleles (0.0019%); highest among the groups gnomAD compares: Non-Finnish European, 0.0023%; no homozygotes.

Submissions (2):

Labcorp Genetics (formerly Invitae), Labcorp
Classification: Uncertain significance. Last evaluated: 2025-11-10. Review status: criteria provided, single submitter. Criteria: Invitae Variant Classification Sherloc (09022015). Collection method: clinical testing. Allele origin: germline.
Comment: This sequence change replaces threonine, which is neutral and polar, with methionine, which is neutral and non-polar, at codon 974 of the ATR protein (p.Thr974Met). This variant is present in population databases (rs771161299, gnomAD 0.004%). This variant has not been reported in the literature in individuals affected with ATR-related conditions. ClinVar contains an entry for this variant (Variation ID: 1797719). An algorithm developed to predict the effect of missense changes on protein structure and function (PolyPhen-2) suggests that this variant is likely to be tolerated. In summary, the available evidence is currently insufficient to determine the role of this variant in disease. Therefore, it has been classified as a Variant of Uncertain Significance.

Ambry Genetics
Classification: Uncertain significance for Inborn genetic diseases. Last evaluated: 2021-09-14. Review status: criteria provided, single submitter. Criteria: Ambry Variant Classification Scheme 2023. Collection method: clinical testing. Allele origin: germline.
Comment: The p.T974M variant (also known as c.2921C>T), located in coding exon 14 of the ATR gene, results from a C to T substitution at nucleotide position 2921. The threonine at codon 974 is replaced by methionine, an amino acid with similar properties. This amino acid position is conserved. In addition, this alteration is predicted to be tolerated by in silico analysis. Since supporting evidence is limited at this time, the clinical significance of this alteration remains unclear.